The following is an entry in ClinVar:

NM_001122630.2(CDKN1C):c.441G>A (p.Pro147=)

Gene: CDKN1C (cyclin dependent kinase inhibitor 1C; minus strand). Cytogenetic location: 11p15.4.
Variant type: single nucleotide variant.
Coding change: c.441G>A on transcript NM_001122630.2 (MANE Select); coding-DNA position 441, G replaced by A.
Protein change: p.Pro147=; no amino-acid change (proline 147 retained).
Molecular consequence: synonymous variant. On other transcripts: intron variant (1).
Genome position (GRCh38, 1-based): chr11:2,885,016, C>T on the plus strand (G>A on the coding strand, the complement: CDKN1C is on the minus strand). VCF-style: chr11-2885016-C-T. GRCh37 (hg19) VCF-style: chr11-2906246-C-T.
Other names: c.474G>A, p.Pro158= (NM_000076.2, NM_001362474.2); c.441G>A, p.Pro147= (NM_001122631.2); c.255+186G>A (NM_001362475.2).
Identifiers: ClinVar variation 1630874 (VCV001630874.9), dbSNP rs2133784568, ClinGen allele CA472832970.
Genomic context (GRCh38, chr11:2,885,016, plus strand): 5'-CAGGACCGCGACCGCGACCGGAGCCGCGACCGGAGCCGCGACCGGAGCCGGAGCCGGGGC[C>T]GGGGCTGGAGCCAGGACCGGGACTGGGGGCGGGGTGGACGCCGGGGCCGGGACCGGGACA-3'
Protein context (NP_001116102.1, residues 137-157): PPPVPVLAPA[Pro147=]APAPAPVAAP

ClinVar aggregate classification (germline): Likely benign. Review status: criteria provided, multiple submitters, no conflicts (2 of 4 stars). 2 submissions from 2 submitters: Likely benign (2). Last evaluated 2025-11-13.

Conditions:
Beckwith-Wiedemann syndrome (BWS). Also called: EMG SYNDROME; Exomphalos macroglossia gigantism syndrome. Identifiers: Orphanet 116, MedGen C0004903, MONDO:0007534, OMIM 130650.
CDKN1C-related disorder. Also called: CDKN1C-related condition.

Allele frequency attached by ClinVar (database versions not stated): gnomAD exomes below 0.00001.

Submissions (2):

PreventionGenetics, part of Exact Sciences
Classification: Likely benign for CDKN1C-related condition. Last evaluated: 2025-11-13. Review status: criteria provided, single submitter. Criteria: ACMG Guidelines, 2015. Collection method: clinical testing. Allele origin: germline.
Comment: This variant is classified as likely benign based on ACMG/AMP sequence variant interpretation guidelines (Richards et al. 2015 PMID: 25741868, with internal and published modifications).

Labcorp Genetics (formerly Invitae), Labcorp
Classification: Likely benign for Beckwith-Wiedemann syndrome. Last evaluated: 2024-09-13. Review status: criteria provided, single submitter. Criteria: Invitae Variant Classification Sherloc (09022015). Collection method: clinical testing. Allele origin: germline.